The following is an entry in ClinVar:

NM_000289.6(PFKM):c.2077G>C (p.Glu693Gln)

Gene: PFKM (phosphofructokinase, muscle; plus strand). Cytogenetic location: 12q13.11.
Variant type: single nucleotide variant.
Coding change: c.2077G>C on transcript NM_000289.6 (MANE Select); coding-DNA position 2077, G replaced by C.
Protein change: p.Glu693Gln; replaces glutamic acid 693 with glutamine.
Molecular consequence: missense variant. On other transcripts: non-coding transcript variant (6).
Genome position (GRCh38, 1-based): chr12:48,145,115, G>C. VCF-style: chr12-48145115-G-C. GRCh37 (hg19) VCF-style: chr12-48538898-G-C.
Other names: c.2290G>C, p.Glu764Gln (NM_001166686.2, NM_001354737.1, NM_001354738.1 and 1 more transcripts); c.2077G>C, p.Glu693Gln (NM_001166687.2, NM_001166688.2, NM_001354742.2 and 2 more transcripts); c.2386G>C, p.Glu796Gln (NM_001354735.1, NM_001354736.1); c.2221G>C, p.Glu741Gln (NM_001354740.1); c.2101G>C, p.Glu701Gln (NM_001354741.2); c.1990G>C, p.Glu664Gln (NM_001354745.2); c.1951G>C, p.Glu651Gln (NM_001354746.2); c.1927G>C, p.Glu643Gln (NM_001354747.2, NM_001354748.2); and 1 more; short protein forms E651Q, E701Q, E741Q, E693Q, E764Q, E664Q, E643Q, E662Q.
Identifiers: ClinVar variation 2129709 (VCV002129709.4), dbSNP rs2498679393, ClinGen allele CA384555902.

ClinVar aggregate classification (germline): Uncertain significance (1 of 4 stars; one submission).

Conditions:
Glycogen storage disease, type VII (GSD7). Also called: PFKM DEFICIENCY; TARUI DISEASE; GSD VII; MUSCLE PHOSPHOFRUCTOKINASE DEFICIENCY. Identifiers: Orphanet 371, MedGen C0017926, MONDO:0009295, OMIM 232800.

Allele frequency attached by ClinVar (database versions not stated): gnomAD exomes below 0.00001.
gnomAD v4.1: 1 of 1,614,068 alleles (0.000062%); highest among the groups gnomAD compares: Non-Finnish European, 0.000085%; no homozygotes.

Submission:

Labcorp Genetics (formerly Invitae), Labcorp
Classification: Uncertain significance for Glycogen storage disease, type VII. Last evaluated: 2022-04-29. Review status: criteria provided, single submitter. Criteria: Invitae Variant Classification Sherloc (09022015). Collection method: clinical testing. Allele origin: germline.
Comment: Algorithms developed to predict the effect of missense changes on protein structure and function are either unavailable or do not agree on the potential impact of this missense change (SIFT: "Tolerated"; PolyPhen-2: "Possibly Damaging"; Align-GVGD: "Class C0"). In summary, the available evidence is currently insufficient to determine the role of this variant in disease. Therefore, it has been classified as a Variant of Uncertain Significance. This sequence change replaces glutamic acid, which is acidic and polar, with glutamine, which is neutral and polar, at codon 693 of the PFKM protein (p.Glu693Gln). This variant is not present in population databases (gnomAD no frequency). This variant has not been reported in the literature in individuals affected with PFKM-related conditions.